The following is an entry in ClinVar:

ClinVar aggregate classification (germline): Benign. Review status: criteria provided, multiple submitters, no conflicts (2 of 4 stars). 2 submissions from 2 submitters: Benign (2). Last evaluated 2018-06-18.

Allele frequency attached by ClinVar (database versions not stated): gnomAD exomes 0.17635; gnomAD 0.19122 and 0.19832; TOPMed 0.19795; 1000 Genomes Project 30x 0.29622; 1000 Genomes Project 0.30611.
gnomAD v4.1: 127,052 of 702,860 alleles (18%); highest among the groups gnomAD compares: East Asian, 57%; 16,026 homozygotes.

Submissions (2):

GeneDx
Classification: Benign. Last evaluated: 2018-06-18. Review status: criteria provided, single submitter. Criteria: GeneDx Variant Classification (06012015). Collection method: clinical testing. Allele origin: germline. Affected: yes.
Comment: This variant is considered likely benign or benign based on one or more of the following criteria: it is a conservative change, it occurs at a poorly conserved position in the protein, it is predicted to be benign by multiple in silico algorithms, and/or has population frequency not consistent with disease.

Breakthrough Genomics
Classification: Benign. Review status: criteria provided, single submitter. Criteria: ACMG Guidelines, 2015. Collection method: not provided. Allele origin: germline. Inheritance: Autosomal dominant inheritance. Affected: yes.

NM_001005242.3(PKP2):c.2014-152C>T

Gene: PKP2 (plakophilin 2; minus strand). Cytogenetic location: 12p11.21.
Variant type: single nucleotide variant.
Coding change: c.2014-152C>T on transcript NM_001005242.3 (MANE Select); 152 bases into the intron before coding-DNA position 2014, C replaced by T.
Molecular consequence: intron variant.
Genome position (GRCh38, 1-based): chr12:32,802,708, G>A on the plus strand (C>T on the coding strand, the complement: PKP2 is on the minus strand). VCF-style: chr12-32802708-G-A. GRCh37 (hg19) VCF-style: chr12-32955642-G-A.
Other names: c.2146-152C>T (NM_004572.4).
Identifiers: ClinVar variation 672401 (VCV000672401.2), dbSNP rs12299276, ClinGen allele CA235223012.